The following is an entry in ClinVar:

NM_001201427.2(DAAM2):c.51C>T (p.Phe17=)

Gene: DAAM2 (dishevelled associated activator of morphogenesis 2; plus strand). Cytogenetic location: 6p21.2.
Variant type: single nucleotide variant.
Coding change: c.51C>T on transcript NM_001201427.2 (MANE Select); coding-DNA position 51, C replaced by T.
Protein change: p.Phe17=; no amino-acid change (phenylalanine 17 retained).
Molecular consequence: synonymous variant.
Genome position (GRCh38, 1-based): chr6:39,856,353, C>T. VCF-style: chr6-39856353-C-T. GRCh37 (hg19) VCF-style: chr6-39824129-C-T.
Other names: c.51C>T, p.Phe17= (NM_015345.4).
Identifiers: ClinVar variation 3053048 (VCV003053048.15), dbSNP rs376650953, ClinGen allele CA3794595.

ClinVar aggregate classification (germline): Likely benign. Review status: criteria provided, single submitter (1 of 4 stars). 2 submissions from 2 submitters: Likely benign (1). 1 of the submissions does not count toward it. Last evaluated 2024-12-01.

Conditions:
DAAM2-related disorder. Also called: DAAM2-related condition.

Allele frequency attached by ClinVar (database versions not stated): 1000 Genomes Project 0.00200; ExAC 0.00257; 1000 Genomes Project 30x 0.00281; ESP Exome Variant Server 0.00373; gnomAD 0.00380; TOPMed 0.00455.
gnomAD v4.1: 1,130 of 1,553,546 alleles (0.073%); highest among the groups gnomAD compares: African/African-American, 1.4%; 10 homozygotes.

Submissions (2):

CeGaT Center for Human Genetics Tuebingen
Classification: Likely benign. Last evaluated: 2024-12-01. Review status: criteria provided, single submitter. Criteria: CeGaT Center For Human Genetics Tuebingen Variant Classification Criteria Version 2. Collection method: clinical testing. Allele origin: germline. Affected: yes. Observed: 1 variant allele.
Comment: DAAM2: BP4, BP7, BS1

PreventionGenetics, part of Exact Sciences
Classification: Benign for DAAM2-related condition. Last evaluated: 2020-02-24. Review status: no assertion criteria provided. Collection method: clinical testing. Allele origin: germline. Not counted in ClinVar's aggregate classification.
Comment: This variant is classified as benign based on ACMG/AMP sequence variant interpretation guidelines (Richards et al. 2015 PMID: 25741868, with internal and published modifications).